The following is an entry in ClinVar:

NM_012073.5(CCT5):c.*320T>C

Gene: CCT5 (chaperonin containing TCP1 subunit 5; plus strand). Cytogenetic location: 5p15.2.
Variant type: single nucleotide variant.
Coding change: c.*320T>C on transcript NM_012073.5 (MANE Select); 320 bases downstream of the stop codon, T replaced by C.
Molecular consequence: 3 prime UTR variant.
Genome position (GRCh38, 1-based): chr5:10,265,103, T>C. VCF-style: chr5-10265103-T-C. GRCh37 (hg19) VCF-style: chr5-10265215-T-C.
Other names: c.*320T>C (NM_001306153.1, NM_001306154.2, NM_001306155.2 and 1 more transcripts).
Identifiers: ClinVar variation 350267 (VCV000350267.5), dbSNP rs186512015, ClinGen allele CA10622134.

ClinVar aggregate classification (germline): Benign (1 of 4 stars; one submission).

Conditions:
Hereditary sensory and autonomic neuropathy with spastic paraplegia (HSNSP). Identifiers: Orphanet 139578, MedGen C1850395, MONDO:0009748, OMIM 256840.

Allele frequency attached by ClinVar (database versions not stated): gnomAD exomes 0.00256; gnomAD 0.00389 and 0.00392; 1000 Genomes Project 0.00479; 1000 Genomes Project 30x 0.00484; TOPMed 0.00534.

Submission:

Illumina Laboratory Services, Illumina
Classification: Benign for Hereditary sensory and autonomic neuropathy with spastic paraplegia. Last evaluated: 2018-01-13. Review status: criteria provided, single submitter. Criteria: ICSL Variant Classification Criteria 13 December 2019. Collection method: clinical testing. Allele origin: germline.
Comment: This variant was observed in the ICSL laboratory as part of a predisposition screen in an ostensibly healthy population. It had not been previously curated by ICSL or reported in the Human Gene Mutation Database (HGMD: prior to June 1st, 2018), and was therefore a candidate for classification through an automated scoring system. Utilizing variant allele frequency, disease prevalence and penetrance estimates, and inheritance mode, an automated score was calculated to assess if this variant is too frequent to cause the disease. Based on the score and internal cut-off values, a variant classified as benign is not then subjected to further curation. The score for this variant resulted in a classification of benign for this disease.